The following is an entry in ClinVar:

ClinVar aggregate classification (germline): Uncertain significance (1 of 4 stars; one submission).

Allele frequency attached by ClinVar (database versions not stated): gnomAD 0.00001; TOPMed 0.00001; gnomAD exomes 0.00002.

Submission:

Labcorp Genetics (formerly Invitae), Labcorp
Classification: Uncertain significance. Last evaluated: 2025-10-29. Review status: criteria provided, single submitter. Criteria: Invitae Variant Classification Sherloc (09022015). Collection method: clinical testing. Allele origin: germline.
Comment: This sequence change replaces aspartic acid, which is acidic and polar, with glycine, which is neutral and non-polar, at codon 131 of the GPR45 protein (p.Asp131Gly). This variant is present in population databases (no rsID available, gnomAD 0.007%). This variant has not been reported in the literature in individuals affected with GPR45-related conditions. ClinVar contains an entry for this variant (Variation ID: 2176152). An algorithm developed to predict the effect of missense changes on protein structure and function (PolyPhen-2) suggests that this variant is likely to be disruptive. In summary, the available evidence is currently insufficient to determine the role of this variant in disease. Therefore, it has been classified as a Variant of Uncertain Significance.

NM_007227.3(GPR45):c.392A>G (p.Asp131Gly)

Gene: GPR45 (G protein-coupled receptor 45; plus strand). Cytogenetic location: 2q12.1.
Variant type: single nucleotide variant.
Coding change: c.392A>G on transcript NM_007227.3 (MANE Select); coding-DNA position 392, A replaced by G.
Protein change: p.Asp131Gly; replaces aspartic acid 131 with glycine.
Molecular consequence: missense variant.
Genome position (GRCh38, 1-based): chr2:105,242,250, A>G. VCF-style: chr2-105242250-A-G. GRCh37 (hg19) VCF-style: chr2-105858707-A-G.
Other names: short protein forms D131G.
Identifiers: ClinVar variation 2176152 (VCV002176152.4), dbSNP rs952111482, ClinGen allele CA53398036.
Genomic context (GRCh38, chr2:105,242,250, plus strand): 5'-CCACGCTCTACTGGTTTTTTGTCCTGGAGGGCGTGGCCATCCTGCTCATCATCAGCGTGG[A>G]CCGCTTCCTCATCATCGTCCAGCGCCAGGACAAGCTGAACCCGCGCAGGGCCAAGGTGAT-3'
Protein context (NP_009158.3, residues 121-141): GVAILLIISV[Asp131Gly]RFLIIVQRQD